The following is an entry in ClinVar:

ClinVar aggregate classification (germline): Conflicting classifications of pathogenicity. Review status: criteria provided, conflicting classifications (1 of 4 stars). 2 submissions from 2 submitters: Uncertain significance (1); Likely benign (1). Last evaluated 2023-07-14.

Conditions:
Inborn genetic diseases. Identifiers: MedGen C0950123, MeSH D030342.
Myoclonic dystonia 11 (DYT11). Also called: DYT-SGCE; Myoclonic dystonia; Dystonia 11; Dystonia, alcohol responsive; Hereditary essential myoclonus; SGCE Myoclonus-Dystonia. Identifiers: Orphanet 36899, MedGen C1834570, MONDO:0008044, OMIM 159900.

gnomAD v4.1: 1 of 1,612,380 alleles (0.000062%); highest among the groups gnomAD compares: Non-Finnish European, 0.000085%; no homozygotes.

Submissions (2):

Ambry Genetics
Classification: Likely benign for Inborn genetic diseases. Last evaluated: 2023-07-14. Review status: criteria provided, single submitter. Criteria: Ambry Variant Classification Scheme 2023. Collection method: clinical testing. Allele origin: germline.

Labcorp Genetics (formerly Invitae), Labcorp
Classification: Uncertain significance for Myoclonic dystonia 11. Last evaluated: 2021-11-23. Review status: criteria provided, single submitter. Criteria: Invitae Variant Classification Sherloc (09022015). Collection method: clinical testing. Allele origin: germline.
Comment: Algorithms developed to predict the effect of sequence changes on RNA splicing suggest that this variant is not likely to affect RNA splicing. This variant has not been reported in the literature in individuals affected with SGCE-related conditions. This variant is not present in population databases (gnomAD no frequency). This sequence change affects codon 221 of the SGCE mRNA. It is a 'silent' change, meaning that it does not change the encoded amino acid sequence of the SGCE protein. It affects a nucleotide within the consensus splice site. In summary, the available evidence is currently insufficient to determine the role of this variant in disease. Therefore, it has been classified as a Variant of Uncertain Significance.

NM_003919.3(SGCE):c.663C>G (p.Gly221=)

Genes: CASD1 (CAS1 domain sialic acid O acetyltransferase 1; plus strand), SGCE (sarcoglycan epsilon; minus strand). Cytogenetic location: 7q21.3.
Variant type: single nucleotide variant.
Coding change: c.663C>G on transcript NM_003919.3 (MANE Select); coding-DNA position 663, C replaced by G.
Protein change: p.Gly221=; no amino-acid change (glycine 221 retained).
Molecular consequence: synonymous variant.
Genome position (GRCh38, 1-based): chr7:94,603,452, G>C on the plus strand (C>G on the coding strand, the complement: SGCE is on the minus strand). VCF-style: chr7-94603452-G-C. GRCh37 (hg19) VCF-style: chr7-94232764-G-C.
Other names: c.663C>G, p.Gly221= (NM_001099400.2, NM_001099401.2, NM_001346717.2); c.540C>G, p.Gly180= (NM_001301139.2, NM_001362809.2); c.771C>G, p.Gly257= (NM_001346713.2, NM_001346715.2); c.576C>G, p.Gly192= (NM_001346719.2, NM_001362807.2); c.390C>G, p.Gly130= (NM_001346720.2, NM_001362808.2); c.663C>G (NM_003919.2).
Identifiers: ClinVar variation 1482015 (VCV001482015.7), dbSNP rs781270494, ClinGen allele CA456492630.